The following is an entry in ClinVar:

NM_001079802.2(FKTN):c.439C>A (p.Leu147Ile)

Gene: FKTN (fukutin; plus strand). Cytogenetic location: 9q31.2.
Variant type: single nucleotide variant.
Coding change: c.439C>A on transcript NM_001079802.2 (MANE Select); coding-DNA position 439, C replaced by A.
Protein change: p.Leu147Ile; replaces leucine 147 with isoleucine.
Molecular consequence: missense variant. On other transcripts: non-coding transcript variant (2).
Genome position (GRCh38, 1-based): chr9:105,604,284, C>A. VCF-style: chr9-105604284-C-A. GRCh37 (hg19) VCF-style: chr9-108366565-C-A.
Other names: p.L147I:CTA>ATA; c.439C>A, p.Leu147Ile (NM_001198963.2, NM_001351496.2, NM_001351498.2 and 1 more transcripts); c.370C>A, p.Leu124Ile (NM_001351497.2); c.43C>A, p.Leu15Ile (NM_001351499.2, NM_001351500.2, NM_001351501.2 and 1 more transcripts); short protein forms L147I, L15I, L124I.
Identifiers: ClinVar variation 162567 (VCV000162567.2), dbSNP rs727502846, ClinGen allele CA295356.
Genomic context (GRCh38, chr9:105,604,284, plus strand): 5'-TTTCGGATAGCTGAGAATATGGGATTTCAGTGCCTAAAGATTGAGAGTAAAGATCCCCGG[C>A]TAGACGGGATAGACTCACTCTCTGGAACTGAAATCCCCCTGCACTATATCTGCAAACTGG-3'
Protein context (NP_001073270.1, residues 137-157): CLKIESKDPR[Leu147Ile]DGIDSLSGTE

ClinVar aggregate classification (germline): Uncertain significance (1 of 4 stars; one submission).

Submission:

GeneDx
Classification: Uncertain significance. Last evaluated: 2017-11-29. Review status: criteria provided, single submitter. Criteria: GeneDx Variant Classification (06012015). Collection method: clinical testing. Allele origin: germline. Affected: yes.
Comment: p.Leu147Ile (CTA>ATA): c.439 C>A in exon 6 of the FKTN gene (NM_001079802.1) The L147I variant in the FKTN gene has not been reported as a disease-causing mutation or as a benign polymorphism to our knowledge. The L147I variant is a conservative amino acid substitution, as these residues share similar properties, and are least likely to impact secondary structure. The L147 residue is well conserved across species. In silico analysis predicts L147I is possibly damaging to the protein structure/function. The L147I variant was not observed in approximately 6,500 individuals of European and African American ancestry in the NHLBI Exome Sequencing Project, indicating it is not a common benign variant in these populations. However, no mutations in nearby residues have been reported. With the clinical and molecular information available at this time, we cannot definitively determine if L147I is a disease-causing mutation or a rare benign variant. The variant is found in CARDIOMYOPATHY panel(s).